The following is an entry in ClinVar:

ClinVar aggregate classification (germline): Uncertain significance. Review status: criteria provided, multiple submitters, no conflicts (2 of 4 stars). 2 submissions from 2 submitters: Uncertain significance (2). Last evaluated 2024-11-13.

Conditions:
Arthrogryposis, distal, type 1A. Also called: ARTHROGRYPOSIS MULTIPLEX CONGENITA, DISTAL, TYPE I. Identifiers: Orphanet 1146, MedGen C6022280, MONDO:0007157, OMIM 108120.

Allele frequency attached by ClinVar (database versions not stated): gnomAD exomes below 0.00001; ExAC 0.00001.
gnomAD v4.1: 3 of 1,614,138 alleles (0.00019%); highest among the groups gnomAD compares: African/African-American, 0.0013%; no homozygotes.

Submissions (2):

Revvity Omics, Revvity
Classification: Uncertain significance. Last evaluated: 2024-11-13. Review status: criteria provided, single submitter. Criteria: ACMG Guidelines, 2015. Collection method: clinical testing. Allele origin: germline.

Labcorp Genetics (formerly Invitae), Labcorp
Classification: Uncertain significance for Arthrogryposis, distal, type 1A. Last evaluated: 2022-12-08. Review status: criteria provided, single submitter. Criteria: Invitae Variant Classification Sherloc (09022015). Collection method: clinical testing. Allele origin: germline.
Comment: This variant is present in population databases (rs754752494, gnomAD 0.007%). In summary, the available evidence is currently insufficient to determine the role of this variant in disease. Therefore, it has been classified as a Variant of Uncertain Significance. Advanced modeling of protein sequence and biophysical properties (such as structural, functional, and spatial information, amino acid conservation, physicochemical variation, residue mobility, and thermodynamic stability) performed at Invitae indicates that this missense variant is not expected to disrupt TPM2 protein function. This variant has not been reported in the literature in individuals affected with TPM2-related conditions. This sequence change replaces arginine, which is basic and polar, with histidine, which is basic and polar, at codon 105 of the TPM2 protein (p.Arg105His).

NM_003289.4(TPM2):c.314G>A (p.Arg105His)

Gene: TPM2 (tropomyosin 2; minus strand). Cytogenetic location: 9p13.3.
Variant type: single nucleotide variant.
Coding change: c.314G>A on transcript NM_003289.4 (MANE Select); coding-DNA position 314, G replaced by A.
Protein change: p.Arg105His; replaces arginine 105 with histidine.
Molecular consequence: missense variant.
Genome position (GRCh38, 1-based): chr9:35,685,707, C>T on the plus strand (G>A on the coding strand, the complement: TPM2 is on the minus strand). VCF-style: chr9-35685707-C-T. GRCh37 (hg19) VCF-style: chr9-35685704-C-T.
Other names: c.314G>A, p.Arg105His (NM_001301226.2, NM_001301227.2, NM_213674.1); short protein forms R105H.
Identifiers: ClinVar variation 3014729 (VCV003014729.4), dbSNP rs754752494, ClinGen allele CA5047399.
Genomic context (GRCh38, chr9:35,685,707, plus strand): 5'-CTCTCGCTCTCATCAGCCGCCTTCTCGGCCTCCTCCAGCTTCTGCAGGGCTGTAGCCAGG[C>T]GCTCCTGGGCCCGGTCCAGCTCCTCCTCAACCAGCTGAATGCGGCGGTTCAGGGAGGCCA-3'
Protein context (NP_003280.2, residues 95-115): VEEELDRAQE[Arg105His]LATALQKLEE